The following is an entry in ClinVar:

NM_005343.4(HRAS):c.141T>C (p.Asp47=)

Genes: HRAS (HRas proto-oncogene, GTPase; minus strand), LRRC56 (leucine rich repeat containing 56; plus strand). Cytogenetic location: 11p15.5.
Variant type: single nucleotide variant.
Coding change: c.141T>C on transcript NM_005343.4 (MANE Select); coding-DNA position 141, T replaced by C.
Protein change: p.Asp47=; no amino-acid change (aspartic acid 47 retained).
Molecular consequence: synonymous variant. On other transcripts: 5 prime UTR variant (1).
Genome position (GRCh38, 1-based): chr11:533,915, A>G on the plus strand (T>C on the coding strand, the complement: HRAS is on the minus strand). VCF-style: chr11-533915-A-G. GRCh37 (hg19) VCF-style: chr11-533915-A-G.
Other names: c.141T>C, p.Asp47= (NM_001130442.3, NM_176795.5); c.-179T>C (NM_001318054.2).
Identifiers: ClinVar variation 531193 (VCV000531193.23), dbSNP rs765092617, ClinGen allele CA5779394.

ClinVar aggregate classification (germline): Likely benign. Review status: criteria provided, multiple submitters, no conflicts (2 of 4 stars). 4 submissions from 4 submitters: Likely benign (4). Last evaluated 2025-08-11.

Conditions:
Cardiovascular phenotype. Identifiers: MedGen CN230736.
Costello syndrome (CSTLO). Also called: FACIOCUTANEOSKELETAL SYNDROME; FCS SYNDROME; HRAS-Related Costello Syndrome. Identifiers: Orphanet 3071, MedGen C0587248, MONDO:0009026, OMIM 218040.

Allele frequency attached by ClinVar (database versions not stated): gnomAD 0.00001; gnomAD exomes 0.00001 and 0.00003; TOPMed 0.00001; ExAC 0.00005.
gnomAD v4.1: 13 of 1,612,714 alleles (0.00081%); highest among the groups gnomAD compares: Non-Finnish European, 0.0011%; no homozygotes.

Submissions (4):

Labcorp Genetics (formerly Invitae), Labcorp
Classification: Likely benign for Costello syndrome. Last evaluated: 2025-08-11. Review status: criteria provided, single submitter. Criteria: Invitae Variant Classification Sherloc (09022015). Collection method: clinical testing. Allele origin: germline.

CeGaT Center for Human Genetics Tuebingen
Classification: Likely benign. Last evaluated: 2025-08-01. Review status: criteria provided, single submitter. Criteria: CeGaT Center For Human Genetics Tuebingen Variant Classification Criteria Version 2. Collection method: clinical testing. Allele origin: germline. Affected: yes. Observed: 1 variant allele.
Comment: HRAS: BP4, BP7

Ambry Genetics
Classification: Likely benign for Cardiovascular phenotype. Last evaluated: 2022-03-03. Review status: criteria provided, single submitter. Criteria: Ambry Variant Classification Scheme 2023. Collection method: clinical testing. Allele origin: germline.

Women's Health and Genetics/Laboratory Corporation of America, LabCorp
Classification: Likely benign. Last evaluated: 2019-11-29. Review status: criteria provided, single submitter. Criteria: LabCorp Variant Classification Summary - May 2015. Collection method: clinical testing. Allele origin: germline.